The following is an entry in ClinVar:

NM_024301.5(FKRP):c.1367G>C (p.Gly456Ala)

Gene: FKRP (fukutin related protein; plus strand). Cytogenetic location: 19q13.32.
Variant type: single nucleotide variant.
Coding change: c.1367G>C on transcript NM_024301.5 (MANE Select); coding-DNA position 1367, G replaced by C.
Protein change: p.Gly456Ala; replaces glycine 456 with alanine.
Molecular consequence: missense variant.
Genome position (GRCh38, 1-based): chr19:46,756,817, G>C. VCF-style: chr19-46756817-G-C. GRCh37 (hg19) VCF-style: chr19-47260074-G-C.
Other names: c.1367G>C, p.Gly456Ala (NM_001039885.3); short protein forms G456A.
Identifiers: ClinVar variation 4855163 (VCV004855163.1).
Genomic context (GRCh38, chr19:46,756,817, plus strand): 5'-GGCAGGATGTGGAGTTTCCCGAGCACTTCCTGCAGCCGCTGGTGCCCCTGCCCTTTGCCG[G>C]CTTCGTGGCGCAGGCGCCTAACAACTACCGCCGCTTCCTGGAGCTCAAGTTCGGGCCCGG-3'
Protein context (NP_077277.1, residues 446-466): LQPLVPLPFA[Gly456Ala]FVAQAPNNYR

ClinVar aggregate classification (germline): Uncertain significance (1 of 4 stars; one submission).

Conditions:
FKRP-related disorder. Also called: FKRP-related condition.

Submission:

3billion
Classification: Uncertain significance for FKRP-related disorder. Last evaluated: 2025-07-21. Review status: criteria provided, single submitter. Criteria: ACMG Guidelines, 2015. Collection method: clinical testing. Allele origin: germline. Affected: yes.
Comment: The variant is not observed in the gnomAD v4.1.0 dataset. Predicted Consequence/Location: Missense variant In silico tool predictions suggest damaging effect of the variant on gene or gene product [REVEL: 0.78 (>=0.6, sensitivity 0.68 and specificity 0.92); 3Cnet: 0.99 (> 0.75, sensitivity 0.96 and precision 0.92)]. A different missense change at the same codon (p.Gly456Ser) has been reported to be associated with FKRP-related disorder (PMID: 33200426). However the evidence of pathogenicity is insufficient at this time. Therefore, this variant is classified as VUS according to the recommendation of ACMG/AMP guideline.

Literature cited by the submitters: PubMed 33200426.